The following is an entry in ClinVar:

ClinVar aggregate classification (germline): Uncertain significance (1 of 4 stars; one submission).

Submission:

GeneDx
Classification: Uncertain significance. Last evaluated: 2023-02-20. Review status: criteria provided, single submitter. Criteria: GeneDx Variant Classification Process June 2021. Collection method: clinical testing. Allele origin: germline. Affected: yes.
Comment: Not observed at significant frequency in large population cohorts (gnomAD); In silico analysis supports that this missense variant has a deleterious effect on protein structure/function; Has not been previously published as pathogenic or benign to our knowledge; This variant is associated with the following publications: (PMID: 26100331, 25512093, 25609763)

NM_001376.5(DYNC1H1):c.9715A>G (p.Lys3239Glu)

Gene: DYNC1H1 (dynein cytoplasmic 1 heavy chain 1; plus strand). Cytogenetic location: 14q32.31.
Variant type: single nucleotide variant.
Coding change: c.9715A>G on transcript NM_001376.5 (MANE Select); coding-DNA position 9715, A replaced by G.
Protein change: p.Lys3239Glu; replaces lysine 3239 with glutamic acid.
Molecular consequence: missense variant.
Genome position (GRCh38, 1-based): chr14:102,029,891, A>G. VCF-style: chr14-102029891-A-G. GRCh37 (hg19) VCF-style: chr14-102496228-A-G.
Other names: short protein forms K3239E.
Identifiers: ClinVar variation 2576728 (VCV002576728.1), dbSNP rs2503811992, ClinGen allele CA391016957.